The following is an entry in ClinVar:

NM_020987.5(ANK3):c.8087C>T (p.Ser2696Leu)

Gene: ANK3 (ankyrin 3; minus strand). Cytogenetic location: 10q21.2.
Variant type: single nucleotide variant.
Coding change: c.8087C>T on transcript NM_020987.5 (MANE Select); coding-DNA position 8087, C replaced by T.
Protein change: p.Ser2696Leu; replaces serine 2696 with leucine.
Molecular consequence: missense variant. On other transcripts: intron variant (4).
Genome position (GRCh38, 1-based): chr10:60,072,794, G>A on the plus strand (C>T on the coding strand, the complement: ANK3 is on the minus strand). VCF-style: chr10-60072794-G-A. GRCh37 (hg19) VCF-style: chr10-61832552-G-A.
Other names: c.4388-4785C>T (NM_001204403.2); c.4409-4785C>T (NM_001204404.2); c.4406-4785C>T (NM_001320874.2); c.1808-4785C>T (NM_001149.4); short protein forms S2696L.
Identifiers: ClinVar variation 1359462 (VCV001359462.6), dbSNP rs776042210, ClinGen allele CA5511612.

ClinVar aggregate classification (germline): Uncertain significance (1 of 4 stars; one submission).

Allele frequency attached by ClinVar (database versions not stated): gnomAD exomes 0.00001 and 0.00003; ExAC 0.00002; gnomAD 0.00002; TOPMed 0.00003.
gnomAD v4.1: 10 of 1,613,996 alleles (0.00062%); highest among the groups gnomAD compares: Admixed American, 0.0017%; no homozygotes.

Submission:

Labcorp Genetics (formerly Invitae), Labcorp
Classification: Uncertain significance. Last evaluated: 2022-06-20. Review status: criteria provided, single submitter. Criteria: Invitae Variant Classification Sherloc (09022015). Collection method: clinical testing. Allele origin: germline.
Comment: In summary, the available evidence is currently insufficient to determine the role of this variant in disease. Therefore, it has been classified as a Variant of Uncertain Significance. Algorithms developed to predict the effect of missense changes on protein structure and function are either unavailable or do not agree on the potential impact of this missense change (SIFT: "Not Available"; PolyPhen-2: "Benign"; Align-GVGD: "Not Available"). This variant has not been reported in the literature in individuals affected with ANK3-related conditions. This variant is present in population databases (rs776042210, gnomAD 0.005%). This sequence change replaces serine with leucine at codon 2696 of the ANK3 protein (p.Ser2696Leu). The serine residue is weakly conserved and there is a large physicochemical difference between serine and leucine.